The following is an entry in ClinVar:

ClinVar aggregate classification (germline): Uncertain significance (1 of 4 stars; one submission).

Conditions:
Osteogenesis imperfecta type I (OI1). Also called: Lobstein disease; Classic Non-deforming Osteogenesis Imperfecta with Blue Sclerae; OI, TYPE I; OSTEOGENESIS IMPERFECTA TARDA; OSTEOGENESIS IMPERFECTA WITH BLUE SCLERAE; Osteogenesis imperfecta type 1. Identifiers: Orphanet 216796, Orphanet 666, MedGen C0023931, MONDO:0008146, OMIM 166200. Disease mechanism: loss of function.

Allele frequency attached by ClinVar (database versions not stated): TOPMed below 0.00001.

Submission:

Labcorp Genetics (formerly Invitae), Labcorp
Classification: Uncertain significance for Osteogenesis imperfecta type I. Last evaluated: 2025-04-17. Review status: criteria provided, single submitter. Criteria: Invitae Variant Classification Sherloc (09022015). Collection method: clinical testing. Allele origin: germline.
Comment: This sequence change replaces arginine, which is basic and polar, with glycine, which is neutral and non-polar, at codon 123 of the COL1A1 protein (p.Arg123Gly). This variant is not present in population databases (gnomAD no frequency). This variant has not been reported in the literature in individuals affected with COL1A1-related conditions. ClinVar contains an entry for this variant (Variation ID: 1401080). Experimental studies and prediction algorithms are not available or were not evaluated, and the functional significance of this variant is currently unknown. In summary, the available evidence is currently insufficient to determine the role of this variant in disease. Therefore, it has been classified as a Variant of Uncertain Significance.

NM_000088.4(COL1A1):c.367A>G (p.Arg123Gly)

Gene: COL1A1 (collagen type I alpha 1 chain; minus strand). Cytogenetic location: 17q21.33.
Variant type: single nucleotide variant.
Coding change: c.367A>G on transcript NM_000088.4 (MANE Select); coding-DNA position 367, A replaced by G.
Protein change: p.Arg123Gly; replaces arginine 123 with glycine.
Molecular consequence: missense variant.
Genome position (GRCh38, 1-based): chr17:50,199,420, T>C on the plus strand (A>G on the coding strand, the complement: COL1A1 is on the minus strand). VCF-style: chr17-50199420-T-C. GRCh37 (hg19) VCF-style: chr17-48276781-T-C.
Other names: short protein forms R123G.
Identifiers: ClinVar variation 1401080 (VCV001401080.8), dbSNP rs1907872277, ClinGen allele CA400227614.